The following is an entry in ClinVar:

ClinVar aggregate classification (germline): Uncertain significance. Review status: criteria provided, multiple submitters, no conflicts (2 of 4 stars). 2 submissions from 2 submitters: Uncertain significance (2). Last evaluated 2025-03-12.

Allele frequency attached by ClinVar (database versions not stated): ExAC 0.00001; gnomAD 0.00002; 1000 Genomes Project 30x 0.00016; gnomAD exomes 0.00001; 1000 Genomes Project 0.00020; TOPMed 0.00003.
gnomAD v4.1: 11 of 1,612,148 alleles (0.00068%); highest among the groups gnomAD compares: East Asian, 0.0089%; no homozygotes.

Submissions (2):

Mayo Clinic Laboratories, Mayo Clinic
Classification: Uncertain significance. Last evaluated: 2025-03-12. Review status: criteria provided, single submitter. Criteria: ACMG Guidelines, 2015. Collection method: clinical testing. Allele origin: germline. Observed: 1 variant allele.
Comment: BP4

Labcorp Genetics (formerly Invitae), Labcorp
Classification: Uncertain significance. Last evaluated: 2022-06-28. Review status: criteria provided, single submitter. Criteria: Invitae Variant Classification Sherloc (09022015). Collection method: clinical testing. Allele origin: germline.
Comment: This sequence change replaces tyrosine, which is neutral and polar, with cysteine, which is neutral and slightly polar, at codon 200 of the ERCC8 protein (p.Tyr200Cys). This variant is present in population databases (rs4647105, gnomAD 0.006%). This variant has not been reported in the literature in individuals affected with ERCC8-related conditions. Algorithms developed to predict the effect of missense changes on protein structure and function are either unavailable or do not agree on the potential impact of this missense change (SIFT: "Tolerated"; PolyPhen-2: "Possibly Damaging"; Align-GVGD: "Class C15"). In summary, the available evidence is currently insufficient to determine the role of this variant in disease. Therefore, it has been classified as a Variant of Uncertain Significance.

NM_000082.4(ERCC8):c.599A>G (p.Tyr200Cys)

Gene: ERCC8 (ERCC excision repair 8, CSA ubiquitin ligase complex subunit; minus strand). Cytogenetic location: 5q12.1.
Variant type: single nucleotide variant.
Coding change: c.599A>G on transcript NM_000082.4 (MANE Select); coding-DNA position 599, A replaced by G.
Protein change: p.Tyr200Cys; replaces tyrosine 200 with cysteine.
Molecular consequence: missense variant.
Genome position (GRCh38, 1-based): chr5:60,902,460, T>C on the plus strand (A>G on the coding strand, the complement: ERCC8 is on the minus strand). VCF-style: chr5-60902460-T-C. GRCh37 (hg19) VCF-style: chr5-60198287-T-C.
Other names: p.Tyr200Cys; c.425A>G, p.Tyr142Cys (NM_001007233.3); c.140A>G, p.Tyr47Cys (NM_001290285.2); short protein forms Y142C, Y47C, Y200C.
Identifiers: ClinVar variation 2173259 (VCV002173259.2), dbSNP rs4647105, ClinGen allele CA3277782.
Genomic context (GRCh38, chr5:60,902,460, plus strand): 5'-TTATTAATTACTAACTTCAAAAGCAAATAAGTTAAATTTTACCTTGCTGTTGCCAAGATA[T>C]AGTCATAACGTGGAGACCAGGAAACTGCTAATATTTCTTGTCTGTGACCTGCAAATACAA-3'
Protein context (NP_000073.1, residues 190-210): LAVSWSPRYD[Tyr200Cys]ILATASADSR